The following is an entry in ClinVar:

NM_024675.4(PALB2):c.523del (p.Arg175fs)

Gene: PALB2 (partner and localizer of BRCA2; minus strand). Cytogenetic location: 16p12.2.
Variant type: Deletion.
Coding change: c.523del on transcript NM_024675.4 (MANE Select); coding-DNA position 523, one base deleted (A; older notation c.523delA).
Protein change: p.Arg175fs; shifts the reading frame from arginine 175.
Molecular consequence: frameshift variant. On other transcripts: 5 prime UTR variant (8), intron variant (3).
Genome position (GRCh38, 1-based): chr16:23,636,023, T deleted on the plus strand (A on the coding strand, the reverse complement: PALB2 is on the minus strand); the first of 4 consecutive T bases (chr16:23,636,023-23,636,026); deleting any one gives the same sequence. VCF-style (leftmost placement, unchanged base first): chr16-23636022-CT-C. GRCh37 (hg19) VCF-style: chr16-23647343-CT-C.
Other names: c.463del, p.Arg155fs (NM_001407296.1); c.523del, p.Arg175fs (NM_001407297.1, NM_001407298.1, NM_001407299.1 and 3 more transcripts); c.-363del (NM_001407304.1, NM_001407305.1, NM_001407306.1 and 5 more transcripts); c.48+5087del (NM_001407314.1); c.-105+5087del (NM_001407313.1, NM_001407312.1); short protein forms R155fs, R175fs.
Identifiers: ClinVar variation 2674067 (VCV002674067.1), dbSNP rs875989789, ClinGen allele CA2695197551.
Genomic context (GRCh38, chr16:23,636,022, plus strand): 5'-ATTTCAGTTACTGGTGATCTAGCAGGATTTTTGCTACTGATTTCTTCCTGTTCCTTTAGT[CT>C]TTTCCCAGACAATCTGAGTGAATCAGTGCCAAAGACACAGTCTCTCTCCTGTGAAATAAA-3'

ClinVar aggregate classification (germline): Pathogenic (1 of 4 stars; one submission).

Conditions:
Familial cancer of breast. Also called: Hereditary breast cancer; BREAST CANCER, FAMILIAL; hereditary breast carcinoma. Identifiers: Orphanet 227535, MedGen C0346153, MONDO:0016419, OMIM 114480. Disease mechanism: loss of function.

Submission:

Myriad Genetics, Inc.
Classification: Pathogenic for Familial cancer of breast. Last evaluated: 2023-09-06. Review status: criteria provided, single submitter. Criteria: Myriad Autosomal Dominant, Autosomal Recessive and X-Linked Classification Criteria (2023). Collection method: clinical testing. Allele origin: unknown.
Comment: This variant is considered pathogenic. This variant creates a frameshift predicted to result in premature protein truncation.